The following is an entry in ClinVar:

NM_001204.7(BMPR2):c.2821C>G (p.Leu941Val)

Gene: BMPR2 (bone morphogenetic protein receptor type 2; plus strand). Cytogenetic location: 2q33.2.
Variant type: single nucleotide variant.
Coding change: c.2821C>G on transcript NM_001204.7 (MANE Select); coding-DNA position 2821, C replaced by G.
Protein change: p.Leu941Val; replaces leucine 941 with valine.
Molecular consequence: missense variant.
Genome position (GRCh38, 1-based): chr2:202,556,486, C>G. VCF-style: chr2-202556486-C-G. GRCh37 (hg19) VCF-style: chr2-203421209-C-G.
Other names: short protein forms L941V.
Identifiers: ClinVar variation 4214554 (VCV004214554.1).
Genomic context (GRCh38, chr2:202,556,486, plus strand): 5'-CCAAGCACAGCAGCAGATCCTGGGCCATCAAAGCCCAGAAGAGCACAGAGGCCTAATTCT[C>G]TGGATCTTTCAGCCACAAATGTCCTGGATGGCAGCAGTATACAGAGTAAGTGGAGGGATC-3'
Protein context (NP_001195.2, residues 931-951): KPRRAQRPNS[Leu941Val]DLSATNVLDG

ClinVar aggregate classification (germline): Uncertain significance (1 of 4 stars; one submission).

Conditions:
Inborn genetic diseases. Identifiers: MedGen C0950123, MeSH D030342.

Submission:

Ambry Genetics
Classification: Uncertain significance for Inborn genetic diseases. Last evaluated: 2025-09-04. Review status: criteria provided, single submitter. Criteria: Ambry Variant Classification Scheme 2023. Collection method: clinical testing. Allele origin: germline.
Comment: The p.L941V variant (also known as c.2821C>G), located in coding exon 12 of the BMPR2 gene, results from a C to G substitution at nucleotide position 2821. The leucine at codon 941 is replaced by valine, an amino acid with highly similar properties. This amino acid position is conserved. In addition, the in silico prediction for this alteration is inconclusive. Based on the available evidence, the clinical significance of this variant remains unclear.